The following is an entry in ClinVar:

NM_177531.6(PKHD1L1):c.3140A>T (p.Asn1047Ile)

Gene: PKHD1L1 (PKHD1 like 1; plus strand). Cytogenetic location: 8q23.1.
Variant type: single nucleotide variant.
Coding change: c.3140A>T on transcript NM_177531.6 (MANE Select); coding-DNA position 3140, A replaced by T.
Protein change: p.Asn1047Ile; replaces asparagine 1047 with isoleucine.
Molecular consequence: missense variant.
Genome position (GRCh38, 1-based): chr8:109,429,948, A>T. VCF-style: chr8-109429948-A-T. GRCh37 (hg19) VCF-style: chr8-110442177-A-T.
Other names: short protein forms N1047I.
Identifiers: ClinVar variation 4983470 (VCV004983470.1).

ClinVar aggregate classification (germline): Uncertain significance (1 of 4 stars; one submission).

Conditions:
PKHD1L1-related disorder. Also called: PKHD1L1-related condition.

Submission:

PreventionGenetics, part of Exact Sciences
Classification: Uncertain significance for PKHD1L1-related condition. Last evaluated: 2025-04-09. Review status: criteria provided, single submitter. Criteria: ACMG Guidelines, 2015. Collection method: clinical testing. Allele origin: germline.
Comment: The PKHD1L1 c.3140A>T variant is predicted to result in the amino acid substitution p.Asn1047Ile. To our knowledge, this variant has not been reported in the literature. This variant is reported in 0.0065% of alleles in individuals of African descent in gnomAD. At this time, the clinical significance of this variant is uncertain due to the absence of conclusive functional and genetic evidence.